The following is an entry in ClinVar:

ClinVar aggregate classification (germline): Uncertain significance (1 of 4 stars; one submission).

Submission:

Labcorp Genetics (formerly Invitae), Labcorp
Classification: Uncertain significance. Last evaluated: 2023-05-15. Review status: criteria provided, single submitter. Criteria: Invitae Variant Classification Sherloc (09022015). Collection method: clinical testing. Allele origin: germline.
Comment: In summary, the available evidence is currently insufficient to determine the role of this variant in disease. Therefore, it has been classified as a Variant of Uncertain Significance. An algorithm developed to predict the effect of missense changes on protein structure and function (PolyPhen-2) suggests that this variant is likely to be tolerated. This variant has not been reported in the literature in individuals affected with IL23R-related conditions. This variant is not present in population databases (gnomAD no frequency). This sequence change replaces threonine, which is neutral and polar, with serine, which is neutral and polar, at codon 230 of the IL23R protein (p.Thr230Ser).

NM_144701.3(IL23R):c.689C>G (p.Thr230Ser)

Gene: IL23R (interleukin 23 receptor; plus strand). Cytogenetic location: 1p31.3.
Variant type: single nucleotide variant.
Coding change: c.689C>G on transcript NM_144701.3 (MANE Select); coding-DNA position 689, C replaced by G.
Protein change: p.Thr230Ser; replaces threonine 230 with serine.
Molecular consequence: missense variant.
Genome position (GRCh38, 1-based): chr1:67,206,946, C>G. VCF-style: chr1-67206946-C-G. GRCh37 (hg19) VCF-style: chr1-67672629-C-G.
Other names: short protein forms T230S.
Identifiers: ClinVar variation 2864637 (VCV002864637.3), dbSNP rs1237612829, ClinGen allele CA340728169.
Genomic context (GRCh38, chr1:67,206,946, plus strand): 5'-TTTTTTTTTTTTTTTTTTTTCTAGTGATACCTTCTGCAGCCGTCATTTCCAGGGCTGAGA[C>G]TATAAATGCTACAGTGCCCAAGACCATAATTTATTGGGATAGTCAAACAACAATTGAAAA-3'
Protein context (NP_653302.2, residues 220-240): PSAAVISRAE[Thr230Ser]INATVPKTII